The following is an entry in ClinVar:

ClinVar aggregate classification (germline): Uncertain significance (1 of 4 stars; one submission).

Allele frequency attached by ClinVar (database versions not stated): ExAC 0.00001; gnomAD 0.00001.
gnomAD v4.1: 10 of 1,608,766 alleles (0.00062%); highest among the groups gnomAD compares: South Asian, 0.011%; no homozygotes.

Submission:

Ambry Genetics
Classification: Uncertain significance. Last evaluated: 2023-07-03. Review status: criteria provided, single submitter. Criteria: Ambry Variant Classification Scheme 2023. Collection method: clinical testing. Allele origin: germline.
Comment: The p.T965S variant (also known as c.2893A>T), located in coding exon 25 of the PRKDC gene, results from an A to T substitution at nucleotide position 2893. The threonine at codon 965 is replaced by serine, an amino acid with similar properties. This amino acid position is conserved. In addition, this alteration is predicted to be tolerated by in silico analysis. Since supporting evidence is limited at this time, the clinical significance of this alteration remains unclear.

NM_006904.7(PRKDC):c.2893A>T (p.Thr965Ser)

Gene: PRKDC (protein kinase, DNA-activated, catalytic subunit; minus strand). Cytogenetic location: 8q11.21.
Variant type: single nucleotide variant.
Coding change: c.2893A>T on transcript NM_006904.7 (MANE Select); coding-DNA position 2893, A replaced by T.
Protein change: p.Thr965Ser; replaces threonine 965 with serine.
Molecular consequence: missense variant.
Genome position (GRCh38, 1-based): chr8:47,912,451, T>A on the plus strand (A>T on the coding strand, the complement: PRKDC is on the minus strand). VCF-style: chr8-47912451-T-A. GRCh37 (hg19) VCF-style: chr8-48825011-T-A.
Other names: c.2893A>T, p.Thr965Ser (NM_001081640.2); short protein forms T965S.
Identifiers: ClinVar variation 2624571 (VCV002624571.2), dbSNP rs766248588, ClinGen allele CA4741338.
Genomic context (GRCh38, chr8:47,912,451, plus strand): 5'-TCAGATTCAAAGCCCTTACCTGATCAACATCACACGCAAGTCGAAGCAGCACAGGAAACG[T>A]CCGCTTATAGAGCTGGTACATGGGTGGGGCTCCCTGTCCCCCTTCTGGCATCTGCGTGGC-3'
Protein context (NP_008835.5, residues 955-975): APPMYQLYKR[Thr965Ser]FPVLLRLACD